The following is an entry in ClinVar:

NM_001145358.2(SIN3A):c.1764C>G (p.Phe588Leu)

Gene: SIN3A (SIN3 transcription regulator family member A; minus strand). Cytogenetic location: 15q24.2.
Variant type: single nucleotide variant.
Coding change: c.1764C>G on transcript NM_001145358.2 (MANE Select); coding-DNA position 1764, C replaced by G.
Protein change: p.Phe588Leu; replaces phenylalanine 588 with leucine.
Molecular consequence: missense variant.
Genome position (GRCh38, 1-based): chr15:75,400,130, G>C on the plus strand (C>G on the coding strand, the complement: SIN3A is on the minus strand). VCF-style: chr15-75400130-G-C. GRCh37 (hg19) VCF-style: chr15-75692471-G-C.
Other names: c.1764C>G, p.Phe588Leu (NM_001145357.2, NM_015477.3); short protein forms F588L.
Identifiers: ClinVar variation 3373200 (VCV003373200.1).

ClinVar aggregate classification (germline): Uncertain significance (1 of 4 stars; one submission).

Submission:

GeneDx
Classification: Uncertain significance. Last evaluated: 2024-05-01. Review status: criteria provided, single submitter. Criteria: GeneDx Variant Classification Process June 2021. Collection method: clinical testing. Allele origin: germline. Affected: yes.
Comment: Not observed at significant frequency in large population cohorts (gnomAD); In silico analysis supports that this missense variant has a deleterious effect on protein structure/function; Has not been previously published as pathogenic or benign to our knowledge